The following is an entry in ClinVar:

NM_020247.5(COQ8A):c.655+1G>A

Gene: COQ8A (coenzyme Q8A; plus strand). Cytogenetic location: 1q42.13.
Variant type: single nucleotide variant.
Coding change: c.655+1G>A on transcript NM_020247.5 (MANE Select); the canonical splice donor site of the intron after coding-DNA position 655, G replaced by A.
Molecular consequence: splice donor variant.
Genome position (GRCh38, 1-based): chr1:226,965,738, G>A. VCF-style: chr1-226965738-G-A. GRCh37 (hg19) VCF-style: chr1-227153439-G-A.
Other names: NC_000001.10:g.227153439G>A.
Identifiers: ClinVar variation 2630921 (VCV002630921.2), dbSNP rs1194024312, ClinGen allele CA345050815.
Genomic context (GRCh38, chr1:226,965,738, plus strand): 5'-AGCATGCCCGGGAGCGGAAGGTGCCTGTGACGAGGATTGGCCGGCTGGCCAACTTCGGAG[G>A]TAAGGTGGCTGTGTGCCCCTGGACTGCCTCACCTGCCCTGCCTGGGCACCACGCTGCGGC-3'

ClinVar aggregate classification (germline): Likely pathogenic (1 of 4 stars; one submission).

Conditions:
COQ8A-related disorder. Also called: COQ8A-related condition.

Allele frequency attached by ClinVar (database versions not stated): gnomAD exomes 0.00001.
gnomAD v4.1: 4 of 1,613,626 alleles (0.00025%); highest among the groups gnomAD compares: East Asian, 0.0089%; no homozygotes.

Submissions (3):

PreventionGenetics, part of Exact Sciences
Classification: Likely pathogenic for COQ8A-related condition. Last evaluated: 2023-10-02. Review status: criteria provided, single submitter. Criteria: ACMG Guidelines, 2015. Collection method: clinical testing. Allele origin: germline.
Comment: The COQ8A c.655+1G>A variant is predicted to disrupt the GT donor site and interfere with normal splicing. To our knowledge, this variant has not been reported in the literature. This variant is reported in 0.0054% of alleles in individuals of East Asian descent in gnomAD. Variants that disrupt the consensus splice donor site in COQ8A are expected to be pathogenic. This variant is interpreted as likely pathogenic.

Dr. Peter K. Rogan Lab, Western University
No classification provided (evidence only). Condition: Hepatocellular carcinoma. Review status: no classification provided. Collection method: in vitro. Allele origin: not applicable. Functional consequence: retained intron. Not counted in ClinVar's aggregate classification.

Dr. Peter K. Rogan Lab, Western University
No classification provided (evidence only). Condition: Hepatocellular carcinoma. Review status: no classification provided. Collection method: in vitro. Allele origin: not applicable. Functional consequence: retained intron. Not counted in ClinVar's aggregate classification.